The following is an entry in ClinVar:

ClinVar aggregate classification (germline): Uncertain significance (1 of 4 stars; one submission).

gnomAD v4.1: 3 of 1,608,828 alleles (0.00019%); highest among the groups gnomAD compares: East Asian, 0.0045%; no homozygotes.

Submission:

Ambry Genetics
Classification: Uncertain significance. Last evaluated: 2025-02-06. Review status: criteria provided, single submitter. Criteria: Ambry Variant Classification Scheme 2023. Collection method: clinical testing. Allele origin: germline.
Comment: The p.R54C variant (also known as c.160C>T), located in coding exon 2 of the GFI1 gene, results from a C to T substitution at nucleotide position 160. The arginine at codon 54 is replaced by cysteine, an amino acid with highly dissimilar properties. This amino acid position is conserved. In addition, this alteration is predicted to be tolerated by in silico analysis. Based on the available evidence, the clinical significance of this variant remains unclear.

NM_005263.5(GFI1):c.160C>T (p.Arg54Cys)

Gene: GFI1 (growth factor independent 1 transcriptional repressor; minus strand). Cytogenetic location: 1p22.1.
Variant type: single nucleotide variant.
Coding change: c.160C>T on transcript NM_005263.5 (MANE Select); coding-DNA position 160, C replaced by T.
Protein change: p.Arg54Cys; replaces arginine 54 with cysteine.
Molecular consequence: missense variant.
Genome position (GRCh38, 1-based): chr1:92,483,002, G>A on the plus strand (C>T on the coding strand, the complement: GFI1 is on the minus strand). VCF-style: chr1-92483002-G-A. GRCh37 (hg19) VCF-style: chr1-92948559-G-A.
Other names: c.160C>T, p.Arg54Cys (NM_001127215.3, NM_001127216.3); short protein forms R54C.
Identifiers: ClinVar variation 3853715 (VCV003853715.1).